The following is an entry in ClinVar:

NM_001111.5(ADAR):c.2450G>T (p.Arg817Ile)

Gene: ADAR (adenosine deaminase RNA specific; minus strand). Cytogenetic location: 1q21.3.
Variant type: single nucleotide variant.
Coding change: c.2450G>T on transcript NM_001111.5 (MANE Select); coding-DNA position 2450, G replaced by T.
Protein change: p.Arg817Ile; replaces arginine 817 with isoleucine.
Molecular consequence: missense variant. On other transcripts: intron variant (3).
Genome position (GRCh38, 1-based): chr1:154,590,230, C>A on the plus strand (G>T on the coding strand, the complement: ADAR is on the minus strand). VCF-style: chr1-154590230-C-A. GRCh37 (hg19) VCF-style: chr1-154562706-C-A.
Other names: c.1565G>T, p.Arg522Ile (NM_001193495.2, NM_001365046.1, NM_001365047.1 and 2 more transcripts); c.2477G>T, p.Arg826Ile (NM_001365045.1); c.1533+32G>T (NM_001365049.1); c.2361+32G>T (NM_015841.4); c.2418+32G>T (NM_015840.4); short protein forms R522I, R817I, R826I.
Identifiers: ClinVar variation 3759544 (VCV003759544.2).
Genomic context (GRCh38, chr1:154,590,230, plus strand): 5'-GTAGACGTCTTAACTGTCTTTGGCTGTGCTTCTGGGGACCTTGAGAGGAGGAGCATAGTT[C>A]TTCTGAGACTGGCCCCTGTCACTGGGGTTACCTCTGTGAAACCCATGCGTTCTGCCTTCT-3'
Protein context (NP_001102.3, residues 807-827): VTPVTGASLR[Arg817Ile]TMLLLSRSPE

ClinVar aggregate classification (germline): Uncertain significance (1 of 4 stars; one submission).

Conditions:
Symmetrical dyschromatosis of extremities (DSH). Also called: DYSCHROMATOSIS SYMMETRICA HEREDITARIA 1; RETICULATE ACROPIGMENTATION OF DOHI; SYMMETRIC DYSCHROMATOSIS OF THE EXTREMITIES; Dyschromatosis symmetrica hereditaria. Identifiers: Orphanet 41, MedGen C0406775, MONDO:0007483, OMIM 127400.
Aicardi-Goutieres syndrome 6 (AGS6). Identifiers: Orphanet 51, MedGen C3539013, MONDO:0014007, OMIM 615010.

Submission:

Labcorp Genetics (formerly Invitae), Labcorp
Classification: Uncertain significance for Aicardi-Goutieres syndrome 6; Symmetrical dyschromatosis of extremities. Last evaluated: 2024-10-31. Review status: criteria provided, single submitter. Criteria: Invitae Variant Classification Sherloc (09022015). Collection method: clinical testing. Allele origin: germline.
Comment: This sequence change replaces arginine, which is basic and polar, with isoleucine, which is neutral and non-polar, at codon 817 of the ADAR protein (p.Arg817Ile). This variant is not present in population databases (gnomAD no frequency). This variant has not been reported in the literature in individuals affected with ADAR-related conditions. An algorithm developed to predict the effect of missense changes on protein structure and function (PolyPhen-2) suggests that this variant is likely to be tolerated. In summary, the available evidence is currently insufficient to determine the role of this variant in disease. Therefore, it has been classified as a Variant of Uncertain Significance.